The following is an entry in ClinVar:

ClinVar aggregate classification (germline): Pathogenic (1 of 4 stars; one submission).

Conditions:
Osteogenesis imperfecta type I (OI1). Also called: OI, TYPE I; OSTEOGENESIS IMPERFECTA TARDA; OSTEOGENESIS IMPERFECTA WITH BLUE SCLERAE; Osteogenesis imperfecta type 1; Lobstein disease; Classic Non-deforming Osteogenesis Imperfecta with Blue Sclerae. Identifiers: Orphanet 216796, Orphanet 666, MedGen C0023931, MONDO:0008146, OMIM 166200. Disease mechanism: loss of function.

Submission:

Labcorp Genetics (formerly Invitae), Labcorp
Classification: Pathogenic for Osteogenesis imperfecta type I. Last evaluated: 2019-12-19. Review status: criteria provided, single submitter. Criteria: Invitae Variant Classification Sherloc (09022015). Collection method: clinical testing. Allele origin: germline.
Comment: This variant is not present in population databases (ExAC no frequency). This variant disrupts the p.Gly398 amino acid residue in COL1A1. Other variants that disrupt this residue have been observed in affected individuals (PMID: 17078022, 9600458, 7487936), suggesting that it is a clinically significant residue. As a result, variants that disrupt this residue are likely to be causative of disease. For these reasons, this variant has been classified as Pathogenic. Glycine residues within the Gly-Xaa-Yaa repeats of the triple helix domain are required for the structure and stability of fibrillar collagens (PMID: 7695699, 8218237, 19344236). In COL1A1, missense variants at these glycine residues are significantly enriched in individuals with disease (PMID: 9016532, 17078022) compared to the general population (ExAC). This variant has been observed in individual(s) with osteogenesis imperfecta (PMID: 17078022). ClinVar contains an entry for this variant (Variation ID: 664505). This sequence change replaces glycine with cysteine at codon 398 of the COL1A1 protein (p.Gly398Cys). The glycine residue is highly conserved and there is a large physicochemical difference between glycine and cysteine.

Literature cited by the submitters: PubMed 17078022; PubMed 9600458; PubMed 7487936; PubMed 7695699; PubMed 8218237; PubMed 19344236; PubMed 9016532.

NM_000088.4(COL1A1):c.1192G>T (p.Gly398Cys)

Gene: COL1A1 (collagen type I alpha 1 chain; minus strand). Cytogenetic location: 17q21.33.
Variant type: single nucleotide variant.
Coding change: c.1192G>T on transcript NM_000088.4 (MANE Select); coding-DNA position 1192, G replaced by T.
Protein change: p.Gly398Cys; replaces glycine 398 with cysteine.
Molecular consequence: missense variant.
Genome position (GRCh38, 1-based): chr17:50,195,442, C>A on the plus strand (G>T on the coding strand, the complement: COL1A1 is on the minus strand). VCF-style: chr17-50195442-C-A. GRCh37 (hg19) VCF-style: chr17-48272803-C-A.
Other names: short protein forms G398C.
Identifiers: ClinVar variation 664505 (VCV000664505.11), dbSNP rs72648319, ClinGen allele CA291546780.